The following is an entry in ClinVar:

NM_001080517.3(SETD5):c.4238A>T (p.His1413Leu)

Gene: SETD5 (SET domain containing 5; plus strand). Cytogenetic location: 3p25.3.
Variant type: single nucleotide variant.
Coding change: c.4238A>T on transcript NM_001080517.3 (MANE Select); coding-DNA position 4238, A replaced by T.
Protein change: p.His1413Leu; replaces histidine 1413 with leucine.
Molecular consequence: missense variant.
Genome position (GRCh38, 1-based): chr3:9,476,000, A>T. VCF-style: chr3-9476000-A-T. GRCh37 (hg19) VCF-style: chr3-9517684-A-T.
Other names: c.3944A>T, p.His1315Leu (NM_001292043.2, NM_001349451.2); short protein forms H1315L, H1413L.
Identifiers: ClinVar variation 3376025 (VCV003376025.1).
Genomic context (GRCh38, chr3:9,476,000, plus strand): 5'-GTGCTGGGCAGTCAGCTGTCTACCAGGCCTCCAGGGTATCTGCGGTTTCCAATTCACAGC[A>T]CTACCCACACCGTGGGAGTGGGGGTGTGCACCAGTACCGACTCCAGCCACTGCAAGGGTC-3'
Protein context (NP_001073986.1, residues 1403-1423): SRVSAVSNSQ[His1413Leu]YPHRGSGGVH

ClinVar aggregate classification (germline): Uncertain significance (1 of 4 stars; one submission).

Submission:

GeneDx
Classification: Uncertain significance. Last evaluated: 2024-05-07. Review status: criteria provided, single submitter. Criteria: GeneDx Variant Classification Process June 2021. Collection method: clinical testing. Allele origin: germline. Affected: yes.
Comment: Not observed at significant frequency in large population cohorts (gnomAD); In silico analysis supports that this missense variant has a deleterious effect on protein structure/function; Has not been previously published as pathogenic or benign to our knowledge